The following is an entry in ClinVar:

NM_003072.5(SMARCA4):c.204C>G (p.Asn68Lys)

Gene: SMARCA4 (SWI/SNF related BAF chromatin remodeling complex subunit ATPase 4; plus strand). Cytogenetic location: 19p13.2.
Variant type: single nucleotide variant.
Coding change: c.204C>G on transcript NM_003072.5 (MANE Select); coding-DNA position 204, C replaced by G.
Protein change: p.Asn68Lys; replaces asparagine 68 with lysine.
Molecular consequence: missense variant. On other transcripts: non-coding transcript variant (1).
Genome position (GRCh38, 1-based): chr19:10,984,355, C>G. VCF-style: chr19-10984355-C-G. GRCh37 (hg19) VCF-style: chr19-11095031-C-G.
Other names: c.204C>G, p.Asn68Lys (NM_001128844.3, NM_001128845.2, NM_001128846.2 and 4 more transcripts); short protein forms N68K.
Identifiers: ClinVar variation 820605 (VCV000820605.4), dbSNP rs1599930215, ClinGen allele CA404054658.

ClinVar aggregate classification (germline): Uncertain significance (1 of 4 stars; one submission).

Conditions:
Hereditary cancer-predisposing syndrome. Also called: Neoplastic Syndromes, Hereditary; Tumor predisposition; Hereditary Cancer Syndrome; Hereditary neoplastic syndrome. Identifiers: Orphanet 140162, MedGen C0027672, MeSH D009386, MONDO:0015356.

Submission:

Ambry Genetics
Classification: Uncertain significance for Hereditary cancer-predisposing syndrome. Last evaluated: 2018-11-05. Review status: criteria provided, single submitter. Criteria: Ambry Variant Classification Scheme 2023. Collection method: clinical testing. Allele origin: germline.
Comment: The p.N68K variant (also known as c.204C>G), located in coding exon 1 of the SMARCA4 gene, results from a C to G substitution at nucleotide position 204. The asparagine at codon 68 is replaced by lysine, an amino acid with similar properties. This amino acid position is poorly conserved in available vertebrate species. In addition, this alteration is predicted to be tolerated by in silico analysis. Since supporting evidence is limited at this time, the clinical significance of this alteration remains unclear.